The following is an entry in ClinVar:

GRCh37/hg19 22q11.21(chr22:18889571-21464697)x1

Genes: GSC2 (goosecoid homeobox 2; minus strand), TSSK2 (testis specific serine kinase 2; plus strand), TXNRD2 (thioredoxin reductase 2; minus strand), UFD1 (ubiquitin recognition factor in ER associated degradation 1; minus strand), USP41 (ubiquitin specific peptidase 41; minus strand) and 42 more. Cytogenetic location: 22q11.21.
Variant type: copy number loss.
Change: copy number 1 (one copy instead of two) of chr22:18,889,571-21,464,697 (2.58 Mb, GRCh37 coordinates, 1-based), cytogenetic band 22q11.21.
Identifiers: ClinVar variation 1180540 (VCV001180540.4).

ClinVar aggregate classification (germline): Pathogenic (1 of 4 stars; one submission).

Submission:

Illumina Laboratory Services, Illumina
Classification: Pathogenic. Last evaluated: 2019-08-16. Review status: criteria provided, single submitter. Criteria: ICSL CNVClassificationCriteria Jul2020Prior. Collection method: clinical testing. Allele origin: unknown.
Comment: This CNV is a 2.5 Mb deletion of 22q11.2, on chromosome 22, (seq[GRCh37]del(22)(22q11.21); chr22:g.18889571_21464697del) found in a de novo state. This CNV constitutes a loss encompassing 83 genes and closely overlaps the 3-Mb proximal (LCR22A-LCR22D) recurrent region that is affected in the well-described 22q11.2 deletion syndrome (22q11.2DS) (McDonald-McGinn et al. 2015; Burnside et al. 2015). In 90-95% of cases, 22q11.2DS results from a de novo deletion, and the typical 3-Mb A-D deletion is found in approximately 85% of cases. The amount of low complexity regions at this locus results in a high rate of meiotic error and nonallelic homologous recombination. 22q11.2DS, which is most common chromosomal microdeletion syndrome, occurs in approximately one in 4000 live births and results in a highly variable clinical presentation involving multi-organ dysfunction. Common features include congenital heart anomalies, characteristic facial features, palate anomalies, immune deficiency, hypocalcemia, and developmental and language delays. Additional features can include short stature, skeletal differences, hearing loss, microcephaly, seizures, hypotonia, and renal abnormalities. Similar losses have not been reported in controls (Cooper et al. 2011; MacDonald et al. 2014), and the penetrance of clinical symptoms is considered high for the A-D deletion. Based on the collective evidence, this CNV is classified as pathogenic.

Literature cited by the submitters: PubMed 21841781; PubMed 24174537; PubMed 26278718; PubMed 27189754.